The following is an entry in ClinVar:

NM_001041.4(SI):c.1861G>T (p.Glu621Ter)

Gene: SI (sucrase-isomaltase; minus strand). Cytogenetic location: 3q26.1.
Variant type: single nucleotide variant.
Coding change: c.1861G>T on transcript NM_001041.4 (MANE Select); coding-DNA position 1861, G replaced by T.
Protein change: p.Glu621Ter; replaces glutamic acid 621 with a stop codon.
Molecular consequence: nonsense.
Genome position (GRCh38, 1-based): chr3:165,046,867, C>A on the plus strand (G>T on the coding strand, the complement: SI is on the minus strand). VCF-style: chr3-165046867-C-A. GRCh37 (hg19) VCF-style: chr3-164764655-C-A.
Other names: short protein forms E621*.
Identifiers: ClinVar variation 4977528 (VCV004977528.1).
Genomic context (GRCh38, chr3:165,046,867, plus strand): 5'-CTTTTATGAGTAACACTCTATGAAACTGTCTTACCAAAGGTATTCCAAACAAACTGAACT[C>A]CAGCATTCCAGTTATAGACCATTCCATTTGTTCCCATGAAGCAGTATTGTCTCCTAACCA-3'

ClinVar aggregate classification (germline): Likely pathogenic (1 of 4 stars; one submission).

Conditions:
SI-related disorder. Also called: SI-related condition.

gnomAD v4.1: 2 of 1,613,016 alleles (0.00012%); highest among the groups gnomAD compares: Admixed American, 0.0017%; no homozygotes.

Submission:

PreventionGenetics, part of Exact Sciences
Classification: Likely pathogenic for SI-related condition. Last evaluated: 2025-01-29. Review status: criteria provided, single submitter. Criteria: ACMG Guidelines, 2015. Collection method: clinical testing. Allele origin: germline.
Comment: The SI c.1861G>T variant is predicted to result in premature protein termination (p.Glu621*). To our knowledge, this variant has not been reported in the literature. This variant is reported in 0.0029% of alleles in individuals of Latino descent in gnomAD. Nonsense variants in SI are expected to be pathogenic. This variant is interpreted as likely pathogenic.